The following is an entry in ClinVar:

NM_006796.3(AFG3L2):c.2012G>A (p.Gly671Glu)

Gene: AFG3L2 (AFG3 like matrix AAA peptidase subunit 2; minus strand). Cytogenetic location: 18p11.21.
Variant type: single nucleotide variant.
Coding change: c.2012G>A on transcript NM_006796.3 (MANE Select); coding-DNA position 2012, G replaced by A.
Protein change: p.Gly671Glu; replaces glycine 671 with glutamic acid.
Molecular consequence: missense variant.
Genome position (GRCh38, 1-based): chr18:12,337,504, C>T on the plus strand (G>A on the coding strand, the complement: AFG3L2 is on the minus strand). VCF-style: chr18-12337504-C-T. GRCh37 (hg19) VCF-style: chr18-12337503-C-T.
Other names: short protein forms G671E.
Identifiers: ClinVar variation 38392 (VCV000038392.5), dbSNP rs151344518, ClinGen allele CA343034.

ClinVar aggregate classification (germline): Likely pathogenic. Review status: no assertion criteria provided (0 of 4 stars). 2 submissions from 2 submitters: Likely pathogenic (1). 1 of the submissions does not count toward it. Last evaluated 2022-06-01.

Conditions:
Spinocerebellar ataxia type 28 (SCA28). Also called: Spinocerebellar Ataxia Type 28 (SCA28). Identifiers: Orphanet 101109, MedGen C1853249, MONDO:0012450, OMIM 610246.

Submissions (2):

Solve-RD Consortium
Classification: Likely pathogenic for Spinocerebellar ataxia type 28. Last evaluated: 2022-06-01. Review status: no assertion criteria provided. Collection method: provider interpretation. Allele origin: inherited. Affected: yes.
Comment: Variant confirmed as disease-causing by referring clinical team

Variant identified during reanalysis of unsolved cases by the Solve-RD project. The Solve-RD project has received funding from the European Union’s Horizon 2020 research and innovation programme under grant agreement No 779257.

GeneReviews
No classification provided. Condition: Spinocerebellar ataxia type 28. Review status: no classification provided. Collection method: literature only. Allele origin: germline. Not counted in ClinVar's aggregate classification.

Literature cited by the submitters: PubMed 39825153 (cited by Solve-RD Consortium); NCBI Bookshelf NBK54582 (cited by GeneReviews).